The following is an entry in ClinVar:

NM_000836.4(GRIN2D):c.2621G>C (p.Arg874Pro)

Gene: GRIN2D (glutamate ionotropic receptor NMDA type subunit 2D; plus strand). Cytogenetic location: 19q13.33.
Variant type: single nucleotide variant.
Coding change: c.2621G>C on transcript NM_000836.4 (MANE Select); coding-DNA position 2621, G replaced by C.
Protein change: p.Arg874Pro; replaces arginine 874 with proline.
Molecular consequence: missense variant.
Genome position (GRCh38, 1-based): chr19:48,442,330, G>C. VCF-style: chr19-48442330-G-C. GRCh37 (hg19) VCF-style: chr19-48945587-G-C.
Other names: short protein forms R874P.
Identifiers: ClinVar variation 4886146 (VCV004886146.2).

ClinVar aggregate classification (germline): Uncertain significance (1 of 4 stars; one submission).

gnomAD v4.1: 1 of 1,613,678 alleles (0.000062%); highest among the groups gnomAD compares: Non-Finnish European, 0.000085%; no homozygotes.

Submission:

Dasa
Classification: Uncertain significance. Last evaluated: 2025-08-19. Review status: criteria provided, single submitter. Criteria: DASA Assertion Criteria. Collection method: clinical testing. Allele origin: germline.
Comment: NM_000836.4(GRIN2D):c.2621G>C (p.Arg874Pro) is a missense variant that results in the substitution of arginine with proline. This variant is rare in population databases. The currently available literature and clinical evidence are not sufficient to establish a definitive association between this variant and the reported condition. Therefore, this variant is classified as a variant of uncertain significance.